The following is an entry in ClinVar:

ClinVar aggregate classification (germline): Uncertain significance (1 of 4 stars; one submission).

gnomAD v4.1: 5 of 1,614,010 alleles (0.00031%); highest among the groups gnomAD compares: African/African-American, 0.0027%; no homozygotes.

Submission:

Labcorp Genetics (formerly Invitae), Labcorp
Classification: Uncertain significance. Last evaluated: 2025-05-15. Review status: criteria provided, single submitter. Criteria: Invitae Variant Classification Sherloc (09022015). Collection method: clinical testing. Allele origin: germline.
Comment: This sequence change replaces valine, which is neutral and non-polar, with methionine, which is neutral and non-polar, at codon 374 of the WNT5A protein (p.Val374Met). This variant is not present in population databases (gnomAD no frequency). This variant has not been reported in the literature in individuals affected with WNT5A-related conditions. ClinVar contains an entry for this variant (Variation ID: 3611934). Invitae Evidence Modeling of protein sequence and biophysical properties (such as structural, functional, and spatial information, amino acid conservation, physicochemical variation, residue mobility, and thermodynamic stability) indicates that this missense variant is not expected to disrupt WNT5A protein function with a negative predictive value of 80%. In summary, the available evidence is currently insufficient to determine the role of this variant in disease. Therefore, it has been classified as a Variant of Uncertain Significance.

NM_003392.7(WNT5A):c.1120G>A (p.Val374Met)

Gene: WNT5A (Wnt family member 5A; minus strand). Cytogenetic location: 3p14.3.
Variant type: single nucleotide variant.
Coding change: c.1120G>A on transcript NM_003392.7 (MANE Select); coding-DNA position 1120, G replaced by A.
Protein change: p.Val374Met; replaces valine 374 with methionine.
Molecular consequence: missense variant.
Genome position (GRCh38, 1-based): chr3:55,470,115, C>T on the plus strand (G>A on the coding strand, the complement: WNT5A is on the minus strand). VCF-style: chr3-55470115-C-T. GRCh37 (hg19) VCF-style: chr3-55504143-C-T.
Other names: c.1075G>A, p.Val359Met (NM_001256105.1, NM_001377271.1, NM_001377272.1); short protein forms V359M, V374M.
Identifiers: ClinVar variation 3611934 (VCV003611934.2).